The following is an entry in ClinVar:

NM_000540.3(RYR1):c.3380G>A (p.Arg1127His)

Gene: RYR1 (ryanodine receptor 1; plus strand). Cytogenetic location: 19q13.2.
Variant type: single nucleotide variant.
Coding change: c.3380G>A on transcript NM_000540.3 (MANE Select); coding-DNA position 3380, G replaced by A.
Protein change: p.Arg1127His; replaces arginine 1127 with histidine.
Molecular consequence: missense variant.
Genome position (GRCh38, 1-based): chr19:38,467,811, G>A. VCF-style: chr19-38467811-G-A. GRCh37 (hg19) VCF-style: chr19-38958451-G-A.
Other names: c.3380G>A, p.Arg1127His (NM_001042723.2); short protein forms R1127H.
Identifiers: ClinVar variation 838675 (VCV000838675.10), dbSNP rs545579559, ClinGen allele CA064729.

ClinVar aggregate classification (germline): Uncertain significance. Review status: criteria provided, multiple submitters, no conflicts (2 of 4 stars). 4 submissions from 4 submitters: Uncertain significance (4). Last evaluated 2024-09-25.

Conditions:
Malignant hyperthermia, susceptibility to, 1 (MHS1). Also called: Malignant hyperthermia suceptibility 1; RYR1-Related Malignant Hyperthermia Susceptibility; Anesthesia related hyperthermia; Malignant hyperpyrexia; Fulminating hyperpyrexia; Pharmacogenic myopathy. Identifiers: Orphanet 423, MedGen C2930980, MONDO:0007783, OMIM 145600.
Congenital myopathy with fiber type disproportion. Also called: Congenital fiber-type disproportion; Congenital fiber-type disproportion myopathy. Identifiers: Orphanet 2020, MedGen C0546264, MONDO:0009711. Inheritance: all.
Central core myopathy (CMYO1A). Also called: CONGENITAL MYOPATHY 1A, AUTOSOMAL DOMINANT, WITH SUSCEPTIBILITY TO MALIGNANT HYPERTHERMIA; Central core disease; Myopathy, central fibrillar. Identifiers: Orphanet 597, MedGen C5830701, MONDO:0007294, OMIM 117000.
Congenital multicore myopathy with external ophthalmoplegia (CMYO1B). Also called: MULTIMINICORE DISEASE WITH EXTERNAL OPHTHALMOPLEGIA; MULTICORE MYOPATHY; Minicore myopathy with external ophthalmoplegia; Congenital myopathy 1B, autosomal recessive; Minicore myopathy. Identifiers: Orphanet 598, Orphanet 98905, MedGen C1850674, MONDO:0009712, OMIM 255320, HP:0003789.
King Denborough syndrome (KDS). Identifiers: MedGen C1840365, MONDO:0020485, OMIM 619542.
RYR1-related disorder. Also called: RYR1-related disorders; RYR1-related condition. Identifiers: MedGen CN239331.

Allele frequency attached by ClinVar (database versions not stated): gnomAD exomes 0.00015 and 0.00006; 1000 Genomes Project 30x 0.00016; 1000 Genomes Project 0.00020; ExAC 0.00020; TOPMed 0.00002; gnomAD 0.00004 and 0.00007.
gnomAD v4.1: 99 of 1,613,776 alleles (0.0061%); highest among the groups gnomAD compares: South Asian, 0.063%; 1 homozygote.

Submissions (4):

Revvity Omics, Revvity
Classification: Uncertain significance. Last evaluated: 2024-09-25. Review status: criteria provided, single submitter. Criteria: ACMG Guidelines, 2015. Collection method: clinical testing. Allele origin: germline.

Color Diagnostics, LLC DBA Color Health
Classification: Uncertain significance for Malignant hyperthermia, susceptibility to, 1. Last evaluated: 2024-03-07. Review status: criteria provided, single submitter. Criteria: ACMG Guidelines, 2015. Collection method: clinical testing. Allele origin: germline.
Comment: This missense variant replaces arginine with histidine at codon 1127 of the RYR1 protein. Computational prediction is inconclusive regarding the impact of this variant on protein structure and function. To our knowledge, functional studies have not been reported for this variant. This variant has been reported in an individual diagnosed as malignant hyperthermia equivocal by IVCT (PMID: 20681998). This variant has been identified in 41/281300 chromosomes in the general population by the Genome Aggregation Database (gnomAD). The available evidence is insufficient to determine the role of this variant in disease conclusively. Therefore, this variant is classified as a Variant of Uncertain Significance.

Labcorp Genetics (formerly Invitae), Labcorp
Classification: Uncertain significance for RYR1-related disorder. Last evaluated: 2022-03-17. Review status: criteria provided, single submitter. Criteria: Invitae Variant Classification Sherloc (09022015). Collection method: clinical testing. Allele origin: germline.
Comment: This sequence change replaces arginine, which is basic and polar, with histidine, which is basic and polar, at codon 1127 of the RYR1 protein (p.Arg1127His). This variant is present in population databases (rs545579559, gnomAD 0.1%). This missense change has been observed in individual(s) with idiopathic hyperCKemia (PMID: 20681998). ClinVar contains an entry for this variant (Variation ID: 838675). Algorithms developed to predict the effect of missense changes on protein structure and function are either unavailable or do not agree on the potential impact of this missense change (SIFT: "Deleterious"; PolyPhen-2: "Probably Damaging"; Align-GVGD: "Class C0"). In summary, the available evidence is currently insufficient to determine the role of this variant in disease. Therefore, it has been classified as a Variant of Uncertain Significance.

Fulgent Genetics
Classification: Uncertain significance for Central core myopathy; Malignant hyperthermia, susceptibility to, 1; Congenital myopathy 4A, autosomal dominant; Congenital multicore myopathy with external ophthalmoplegia; King Denborough syndrome. Last evaluated: 2021-12-07. Review status: criteria provided, single submitter. Criteria: ACMG Guidelines, 2015. Collection method: clinical testing. Allele origin: unknown.

Literature cited by the submitters: PubMed 20681998 (cited by Color Diagnostics, LLC DBA Color Health and Labcorp Genetics (formerly Invitae), Labcorp).